The following is an entry in ClinVar:

ClinVar aggregate classification (germline): Uncertain significance (1 of 4 stars; one submission).

Conditions:
Hereditary cancer-predisposing syndrome. Also called: Neoplastic Syndromes, Hereditary; Tumor predisposition; Hereditary Cancer Syndrome; Hereditary neoplastic syndrome. Identifiers: Orphanet 140162, MedGen C0027672, MeSH D009386, MONDO:0015356.

Submission:

Ambry Genetics
Classification: Uncertain significance for Hereditary cancer-predisposing syndrome. Last evaluated: 2026-01-13. Review status: criteria provided, single submitter. Criteria: Ambry Variant Classification Scheme 2023. Collection method: clinical testing. Allele origin: germline.
Comment: The p.A1261V variant (also known as c.3782C>T), located in coding exon 18 of the MET gene, results from a C to T substitution at nucleotide position 3782. The alanine at codon 1261 is replaced by valine, an amino acid with similar properties. This amino acid position is conserved. In addition, this alteration is predicted to be tolerated by in silico analysis. Based on the available evidence, the clinical significance of this variant remains unclear.

NM_000245.4(MET):c.3728C>T (p.Ala1243Val)

Gene: MET (MET proto-oncogene, receptor tyrosine kinase; plus strand). Cytogenetic location: 7q31.2.
Variant type: single nucleotide variant.
Coding change: c.3728C>T on transcript NM_000245.4 (MANE Select); coding-DNA position 3728, C replaced by T.
Protein change: p.Ala1243Val; replaces alanine 1243 with valine.
Molecular consequence: missense variant.
Genome position (GRCh38, 1-based): chr7:116,783,399, C>T. VCF-style: chr7-116783399-C-T. GRCh37 (hg19) VCF-style: chr7-116423453-C-T.
Other names: c.3782C>T, p.Ala1261Val (NM_001127500.3); c.2438C>T, p.Ala813Val (NM_001324402.2); short protein forms A1261V, A1243V, A813V.
Identifiers: ClinVar variation 4843775 (VCV004843775.1).